The following is an entry in ClinVar:

ClinVar aggregate classification (germline): Uncertain significance (1 of 4 stars; one submission).

Submission:

Labcorp Genetics (formerly Invitae), Labcorp
Classification: Uncertain significance. Last evaluated: 2025-03-31. Review status: criteria provided, single submitter. Criteria: Invitae Variant Classification Sherloc (09022015). Collection method: clinical testing. Allele origin: germline.
Comment: This sequence change replaces isoleucine, which is neutral and non-polar, with valine, which is neutral and non-polar, at codon 194 of the IL1RAPL1 protein (p.Ile194Val). This variant is not present in population databases (gnomAD no frequency). This variant has not been reported in the literature in individuals affected with IL1RAPL1-related conditions. An algorithm developed to predict the effect of missense changes on protein structure and function (PolyPhen-2) suggests that this variant is likely to be tolerated. In summary, the available evidence is currently insufficient to determine the role of this variant in disease. Therefore, it has been classified as a Variant of Uncertain Significance.

NM_014271.4(IL1RAPL1):c.580A>G (p.Ile194Val)

Gene: IL1RAPL1 (interleukin 1 receptor accessory protein like 1; plus strand). Cytogenetic location: Xp21.2.
Variant type: single nucleotide variant.
Coding change: c.580A>G on transcript NM_014271.4 (MANE Select); coding-DNA position 580, A replaced by G.
Protein change: p.Ile194Val; replaces isoleucine 194 with valine.
Molecular consequence: missense variant.
Genome position (GRCh38, 1-based): chrX:29,399,185, A>G. VCF-style: chrX-29399185-A-G. GRCh37 (hg19) VCF-style: chrX-29417302-A-G.
Other names: short protein forms I194V.
Identifiers: ClinVar variation 3613504 (VCV003613504.2).